The following is an entry in ClinVar:

NM_000393.5(COL5A2):c.1685G>A (p.Arg562His)

Gene: COL5A2 (collagen type V alpha 2 chain; minus strand). Cytogenetic location: 2q32.2.
Variant type: single nucleotide variant.
Coding change: c.1685G>A on transcript NM_000393.5 (MANE Select); coding-DNA position 1685, G replaced by A.
Protein change: p.Arg562His; replaces arginine 562 with histidine.
Molecular consequence: missense variant.
Genome position (GRCh38, 1-based): chr2:189,064,588, C>T on the plus strand (G>A on the coding strand, the complement: COL5A2 is on the minus strand). VCF-style: chr2-189064588-C-T. GRCh37 (hg19) VCF-style: chr2-189929314-C-T.
Other names: short protein forms R562H.
Identifiers: ClinVar variation 529247 (VCV000529247.10), dbSNP rs1199481029, ClinGen allele CA349850526.

ClinVar aggregate classification (germline): Uncertain significance (1 of 4 stars; one submission).

Conditions:
Ehlers-Danlos syndrome, classic type, 1 (EDSCL1). Also called: Ehlers-Danlos Syndrome, Classic Type, COL5A1-Related; EDS I; Ehlers-Danlos syndrome, type 1; EHLERS-DANLOS SYNDROME, GRAVIS TYPE; EHLERS-DANLOS SYNDROME, SEVERE CLASSIC TYPE. Identifiers: MedGen C0268335, MONDO:0019567, OMIM 130000.

Allele frequency attached by ClinVar (database versions not stated): gnomAD exomes below 0.00001 and 0.00001; TOPMed below 0.00001.
gnomAD v4.1: 6 of 1,613,886 alleles (0.00037%); highest among the groups gnomAD compares: African/African-American, 0.0013%; no homozygotes.

Submission:

Labcorp Genetics (formerly Invitae), Labcorp
Classification: Uncertain significance for Ehlers-Danlos syndrome, classic type, 1. Last evaluated: 2025-11-18. Review status: criteria provided, single submitter. Criteria: Invitae Variant Classification Sherloc (09022015). Collection method: clinical testing. Allele origin: germline.
Comment: This sequence change replaces arginine, which is basic and polar, with histidine, which is basic and polar, at codon 562 of the COL5A2 protein (p.Arg562His). This variant is present in population databases (no rsID available, gnomAD 0.002%). This variant has not been reported in the literature in individuals affected with COL5A2-related conditions. ClinVar contains an entry for this variant (Variation ID: 529247). Invitae Evidence Modeling of protein sequence and biophysical properties (such as structural, functional, and spatial information, amino acid conservation, physicochemical variation, residue mobility, and thermodynamic stability) indicates that this missense variant is not expected to disrupt COL5A2 protein function with a negative predictive value of 80%. In summary, the available evidence is currently insufficient to determine the role of this variant in disease. Therefore, it has been classified as a Variant of Uncertain Significance.